The following is an entry in ClinVar:

NM_000051.4(ATM):c.8010G>A (p.Lys2670=)

Genes: ATM (ATM serine/threonine kinase; plus strand), C11orf65 (chromosome 11 open reading frame 65; minus strand). Cytogenetic location: 11q22.3.
Variant type: single nucleotide variant.
Coding change: c.8010G>A on transcript NM_000051.4 (MANE Select); coding-DNA position 8010, G replaced by A.
Protein change: p.Lys2670=; no amino-acid change (lysine 2670 retained).
Molecular consequence: synonymous variant. On other transcripts: intron variant (2).
Genome position (GRCh38, 1-based): chr11:108,333,968, G>A. VCF-style: chr11-108333968-G-A. GRCh37 (hg19) VCF-style: chr11-108204695-G-A.
Other names: c.8010G>A, p.Lys2670= (NM_001351834.2); c.641-24897C>T (NM_001330368.2); c.*38+1252C>T (NM_001351110.2).
Identifiers: ClinVar variation 827395 (VCV000827395.19), dbSNP rs1013244700, ClinGen allele CA228419797.

ClinVar aggregate classification (germline): Conflicting classifications of pathogenicity. Review status: criteria provided, conflicting classifications (1 of 4 stars). 5 submissions from 5 submitters: Likely pathogenic (3); Uncertain significance (2). Last evaluated 2026-07-21.

Conditions:
Hereditary cancer-predisposing syndrome. Also called: Tumor predisposition; Neoplastic Syndromes, Hereditary; Hereditary Cancer Syndrome; Hereditary neoplastic syndrome. Identifiers: Orphanet 140162, MedGen C0027672, MeSH D009386, MONDO:0015356.
Familial cancer of breast. Also called: Hereditary breast cancer; BREAST CANCER, FAMILIAL; hereditary breast carcinoma. Identifiers: Orphanet 227535, MedGen C0346153, MONDO:0016419, OMIM 114480. Disease mechanism: loss of function.
Ataxia-telangiectasia syndrome (AT). Also called: ATAXIA-TELANGIECTASIA, COMPLEMENTATION GROUP A; ATAXIA-TELANGIECTASIA, FRESNO VARIANT; Ataxia-telangiectasia; Ataxia-telangiectasia, complementation group D; AT, COMPLEMENTATION GROUP C; Ataxia-telangiectasia, complementation group E. Identifiers: Orphanet 100, MedGen C0004135, MONDO:0008840, OMIM 208900.

Allele frequency attached by ClinVar (database versions not stated): gnomAD 0.00001.
gnomAD v4.1: 1 of 1,598,582 alleles (0.000063%); highest among the groups gnomAD compares: African/African-American, 0.0013%; no homozygotes.

Submissions (5):

Ambry Genetics
Classification: Likely pathogenic for Hereditary cancer-predisposing syndrome. Last evaluated: 2026-07-21. Review status: criteria provided, single submitter. Criteria: Ambry Variant Classification Scheme 2023. Collection method: clinical testing. Allele origin: germline.
Comment: The c.8010G>A variant (also known as p.K2670K), located in coding exon 53 of the ATM gene, results from a G to A substitution at nucleotide position 8010. This nucleotide substitution does not change the lysine at 2670. However, this change occurs in the last base pair of coding exon 53, which makes it likely to have some effect on normal mRNA splicing. This nucleotide position is highly conserved in available vertebrate species. In silico splice site analysis predicts that this alteration will weaken the native splice donor site. RNA studies have demonstrated that this alteration results in abnormal splicing in the set of samples tested (Ambry internal data). In an assay testing ATM function, this variant showed a functionally abnormal result (Lee KS et al. Cell, 2025 Sep;188:5081-5099.e27). This variant is considered to be rare based on population cohorts in the Genome Aggregation Database (gnomAD). Based on the majority of available evidence to date, this variant is likely to be pathogenic.

Labcorp Genetics (formerly Invitae), Labcorp
Classification: Uncertain significance for Ataxia-telangiectasia syndrome. Last evaluated: 2025-09-10. Review status: criteria provided, single submitter. Criteria: Invitae Variant Classification Sherloc (09022015). Collection method: clinical testing. Allele origin: germline.
Comment: This sequence change affects codon 2670 of the ATM mRNA. It is a 'silent' change, meaning that it does not change the encoded amino acid sequence of the ATM protein. This variant also falls at the last nucleotide of exon 54, which is part of the consensus splice site for this exon. This variant is not present in population databases (gnomAD no frequency). This variant has not been reported in the literature in individuals affected with ATM-related conditions. ClinVar contains an entry for this variant (Variation ID: 827395). Variants that disrupt the consensus splice site are a relatively common cause of aberrant splicing (PMID: 17576681, 9536098). Algorithms developed to predict the effect of sequence changes on RNA splicing suggest that this variant may disrupt the consensus splice site. In summary, the available evidence is currently insufficient to determine the role of this variant in disease. Therefore, it has been classified as a Variant of Uncertain Significance.

Myriad Genetics, Inc.
Classification: Likely pathogenic for Familial cancer of breast. Last evaluated: 2025-08-28. Review status: criteria provided, single submitter. Criteria: Myriad Autosomal Dominant, Autosomal Recessive and X-Linked Classification Criteria (2023). Collection method: clinical testing. Allele origin: unknown.
Comment: This variant is considered likely pathogenic. mRNA analysis has demonstrated abnormal mRNA splicing occurs [PMID: 39902189, Myriad internal data].

Baylor Genetics
Classification: Likely pathogenic for Familial cancer of breast. Last evaluated: 2023-08-27. Review status: criteria provided, single submitter. Criteria: ACMG Guidelines, 2015. Collection method: clinical testing. Allele origin: unknown.

GeneDx
Classification: Uncertain significance. Last evaluated: 2020-07-27. Review status: criteria provided, single submitter. Criteria: GeneDx Variant Classification Process June 2021. Collection method: clinical testing. Allele origin: germline. Affected: yes.
Comment: Not observed in large population cohorts (Lek 2016); In silico analysis supports a deleterious effect on splicing; Has not been previously published as pathogenic or benign to our knowledge

Literature cited by the submitters: PubMed 40580951 (cited by Ambry Genetics); PubMed 17576681 (cited by Labcorp Genetics (formerly Invitae), Labcorp); PubMed 9536098 (cited by Labcorp Genetics (formerly Invitae), Labcorp); PubMed 39902189 (cited by Myriad Genetics, Inc.).